The following is an entry in ClinVar:

ClinVar aggregate classification (germline): Uncertain significance. Review status: criteria provided, single submitter (1 of 4 stars). 2 submissions from 2 submitters: Uncertain significance (1). 1 of the submissions does not count toward it. Last evaluated 2022-03-27.

Conditions:
Aspartylglucosaminuria (AGU). Also called: Aspartylglucos-aminuria; Aspartylglucos-amidase (AGA) deficiency; AGA DEFICIENCY; GLYCOASPARAGINASE; GLYCOSYLASPARAGINASE DEFICIENCY. Identifiers: Orphanet 93, MedGen C0268225, MONDO:0008830, OMIM 208400, HP:0012068.

Allele frequency attached by ClinVar (database versions not stated): TOPMed 0.00003; ESP Exome Variant Server 0.00008.
gnomAD v4.1: 147 of 1,613,830 alleles (0.0091%); highest among the groups gnomAD compares: Non-Finnish European, 0.012%; no homozygotes.

Submissions (2):

Labcorp Genetics (formerly Invitae), Labcorp
Classification: Uncertain significance for Aspartylglucosaminuria. Last evaluated: 2022-03-27. Review status: criteria provided, single submitter. Criteria: Invitae Variant Classification Sherloc (09022015). Collection method: clinical testing. Allele origin: germline.
Comment: This sequence change replaces phenylalanine, which is neutral and non-polar, with leucine, which is neutral and non-polar, at codon 326 of the AGA protein (p.Phe326Leu). This variant is present in population databases (rs373878347, gnomAD 0.007%). This variant has not been reported in the literature in individuals affected with AGA-related conditions. ClinVar contains an entry for this variant (Variation ID: 991944). Algorithms developed to predict the effect of missense changes on protein structure and function are either unavailable or do not agree on the potential impact of this missense change (SIFT: "Deleterious"; PolyPhen-2: "Probably Damaging"; Align-GVGD: "Class C15"). In summary, the available evidence is currently insufficient to determine the role of this variant in disease. Therefore, it has been classified as a Variant of Uncertain Significance.

Natera, Inc.
Classification: Uncertain significance for Aspartylglucosaminuria. Last evaluated: 2020-04-16. Review status: no assertion criteria provided. Collection method: clinical testing. Allele origin: germline. Not counted in ClinVar's aggregate classification.

NM_000027.4(AGA):c.978T>G (p.Phe326Leu)

Gene: AGA (aspartylglucosaminidase; minus strand). Cytogenetic location: 4q34.3.
Variant type: single nucleotide variant.
Coding change: c.978T>G on transcript NM_000027.4 (MANE Select); coding-DNA position 978, T replaced by G.
Protein change: p.Phe326Leu; replaces phenylalanine 326 with leucine.
Molecular consequence: missense variant. On other transcripts: non-coding transcript variant (1).
Genome position (GRCh38, 1-based): chr4:177,431,771, A>C on the plus strand (T>G on the coding strand, the complement: AGA is on the minus strand). VCF-style: chr4-177431771-A-C. GRCh37 (hg19) VCF-style: chr4-178352925-A-C.
Other names: c.948T>G, p.Phe316Leu (NM_001171988.2); short protein forms F316L, F326L.
Identifiers: ClinVar variation 991944 (VCV000991944.3), dbSNP rs373878347, ClinGen allele CA3146728.